The following is an entry in ClinVar:

NM_001127222.2(CACNA1A):c.2519C>T (p.Ala840Val)

Gene: CACNA1A (calcium voltage-gated channel subunit alpha1 A; minus strand). Cytogenetic location: 19p13.13.
Variant type: single nucleotide variant.
Coding change: c.2519C>T on transcript NM_001127222.2 (MANE Select); coding-DNA position 2519, C replaced by T.
Protein change: p.Ala840Val; replaces alanine 840 with valine.
Molecular consequence: missense variant.
Genome position (GRCh38, 1-based): chr19:13,299,114, G>A on the plus strand (C>T on the coding strand, the complement: CACNA1A is on the minus strand). VCF-style: chr19-13299114-G-A. GRCh37 (hg19) VCF-style: chr19-13409928-G-A.
Other names: c.2531C>T, p.Ala844Val (NM_000068.4, NM_023035.3); c.2522C>T, p.Ala841Val (NM_001127221.2, NM_001174080.2); short protein forms A840V, A841V, A844V.
Identifiers: ClinVar variation 2924378 (VCV002924378.3), dbSNP rs2057735722, ClinGen allele CA404343270.

ClinVar aggregate classification (germline): Uncertain significance (1 of 4 stars; one submission).

Conditions:
Developmental and epileptic encephalopathy, 42 (DEE42A). Also called: DEVELOPMENTAL AND EPILEPTIC ENCEPHALOPATHY 42A; EPILEPTIC ENCEPHALOPATHY, EARLY INFANTILE, 42A; Epileptic encephalopathy, early infantile, 42. Identifiers: MedGen C4310716, MONDO:0014917, OMIM 617106.
Episodic ataxia type 2 (EA2). Also called: ACETAZOLAMIDE-RESPONSIVE HEREDITARY PAROXYSMAL CEREBELLAR ATAXIA; ATAXIA, EPISODIC, WITH NYSTAGMUS; ATAXIA, FAMILIAL PAROXYSMAL; CEREBELLAR ATAXIA, PAROXYSMAL, ACETAZOLAMIDE-RESPONSIVE; CEREBELLOPATHY, HEREDITARY PAROXYSMAL; EPISODIC ATAXIA, NYSTAGMUS-ASSOCIATED. Identifiers: Orphanet 97, MedGen C1720416, MONDO:0007163, OMIM 108500.

Allele frequency attached by ClinVar (database versions not stated): gnomAD exomes below 0.00001; TOPMed below 0.00001; gnomAD 0.00001.
gnomAD v4.1: 2 of 1,612,490 alleles (0.00012%); highest among the groups gnomAD compares: South Asian, 0.0022%; no homozygotes.

Submission:

Labcorp Genetics (formerly Invitae), Labcorp
Classification: Uncertain significance for Developmental and epileptic encephalopathy, 42; Episodic ataxia type 2. Last evaluated: 2023-11-28. Review status: criteria provided, single submitter. Criteria: Invitae Variant Classification Sherloc (09022015). Collection method: clinical testing. Allele origin: germline.
Comment: This sequence change replaces alanine, which is neutral and non-polar, with valine, which is neutral and non-polar, at codon 841 of the CACNA1A protein (p.Ala841Val). This variant is not present in population databases (gnomAD no frequency). This variant has not been reported in the literature in individuals affected with CACNA1A-related conditions. Advanced modeling of protein sequence and biophysical properties (such as structural, functional, and spatial information, amino acid conservation, physicochemical variation, residue mobility, and thermodynamic stability) performed at Invitae indicates that this missense variant is not expected to disrupt CACNA1A protein function with a negative predictive value of 95%. In summary, the available evidence is currently insufficient to determine the role of this variant in disease. Therefore, it has been classified as a Variant of Uncertain Significance.